The following is an entry in ClinVar:

ClinVar aggregate classification (germline): Uncertain significance. Review status: criteria provided, multiple submitters, no conflicts (2 of 4 stars). 2 submissions from 2 submitters: Uncertain significance (2). Last evaluated 2024-04-19.

Conditions:
Charcot-Marie-Tooth disease, type I (CMT1). Also called: Charcot-Marie-Tooth disease type 1; Charcot-Marie-Tooth, Type 1. Identifiers: Orphanet 65753, MedGen C0751036, MONDO:0019011.

Submissions (2):

ARUP Laboratories, Molecular Genetics and Genomics, ARUP Laboratories
Classification: Uncertain significance. Last evaluated: 2024-04-19. Review status: criteria provided, single submitter. Criteria: ARUP Molecular Germline Variant Investigation Process 2024. Collection method: clinical testing. Allele origin: germline.
Comment: The MPZ c.313C>T; p.Pro105Ser variant (rs121913609, ClinVar variation ID: 1485347) is reported in the literature in one individual affected with Charcot-Marie-Tooth disease (Fridman 2023). This variant is absent from the Genome Aggregation Database (v2.1.1), indicating it is not a common polymorphism. Additionally, other variants at this codon (c.314C>T, p.Pro105Leu; c.313C>A; p.Pro105Thr) have been reported in individuals with Charcot-Marie-Tooth disease (Kabzinska 2007, Lorance 2018). Computational analyses are uncertain whether this variant is neutral or deleterious (REVEL: 0.349). Due to limited information, the clinical significance of this variant is uncertain at this time. References: Fridman V et al. Disease Progression in Charcot-Marie-Tooth Disease Related to MPZ Mutations: A Longitudinal Study. Ann Neurol. 2023 Mar;93(3):563-576. PMID: 36203352. Kabzinska D et al. Late-onset Charcot-Marie-Tooth type 2 disease with hearing impairment associated with a novel Pro105Thr mutation in the MPZ gene. Am J Med Genet A. 2007 Sep 15;143A(18):2196-9. PMID: 17663472. Lorance DK et al. Novel Myelin Protein Zero Mutation in 3 Generations of Vermonters With Demyelinating Charcot-Marie-Tooth Disease. J Clin Neuromuscul Dis. 2018 Mar;19(3):101-107. PMID: 29465609.

Labcorp Genetics (formerly Invitae), Labcorp
Classification: Uncertain significance for Charcot-Marie-Tooth disease, type I. Last evaluated: 2021-02-14. Review status: criteria provided, single submitter. Criteria: Invitae Variant Classification Sherloc (09022015). Collection method: clinical testing. Allele origin: germline.
Comment: This sequence change replaces proline with serine at codon 105 of the MPZ protein (p.Pro105Ser). The proline residue is highly conserved and there is a moderate physicochemical difference between proline and serine. In summary, the available evidence is currently insufficient to determine the role of this variant in disease. Therefore, it has been classified as a Variant of Uncertain Significance. This variant disrupts the p.Pro105 amino acid residue in MPZ. Other variant(s) that disrupt this residue have been determined to be pathogenic (PMID: 29465609, Invitae). This suggests that this residue is clinically significant, and that variants that disrupt this residue are likely to be disease-causing Algorithms developed to predict the effect of missense changes on protein structure and function (SIFT, PolyPhen-2, Align-GVGD) all suggest that this variant is likely to be disruptive, but these predictions have not been confirmed by published functional studies and their clinical significance is uncertain. This variant has not been reported in the literature in individuals with MPZ-related conditions. This variant is not present in population databases (ExAC no frequency).

Literature cited by the submitters: PubMed 29465609 (cited by Labcorp Genetics (formerly Invitae), Labcorp).

NM_000530.8(MPZ):c.313C>T (p.Pro105Ser)

Gene: MPZ (myelin protein zero; minus strand). Cytogenetic location: 1q23.3.
Variant type: single nucleotide variant.
Coding change: c.313C>T on transcript NM_000530.8 (MANE Select); coding-DNA position 313, C replaced by T.
Protein change: p.Pro105Ser; replaces proline 105 with serine.
Molecular consequence: missense variant.
Genome position (GRCh38, 1-based): chr1:161,306,843, G>A on the plus strand (C>T on the coding strand, the complement: MPZ is on the minus strand). VCF-style: chr1-161306843-G-A. GRCh37 (hg19) VCF-style: chr1-161276633-G-A.
Other names: c.313C>T, p.Pro105Ser (NM_001315491.2); short protein forms P105S.
Identifiers: ClinVar variation 1485347 (VCV001485347.9), dbSNP rs121913609, ClinGen allele CA343349420.